The following is an entry in ClinVar:

ClinVar aggregate classification (germline): Uncertain significance (1 of 4 stars; one submission).

Conditions:
Baller-Gerold syndrome (BGS). Also called: CRANIOSYNOSTOSIS WITH RADIAL DEFECTS. Identifiers: Orphanet 1225, MedGen C0265308, MONDO:0009039, OMIM 218600.

gnomAD v4.1: 1 of 1,612,454 alleles (0.000062%); highest among the groups gnomAD compares: Non-Finnish European, 0.000085%; no homozygotes.

Submission:

Labcorp Genetics (formerly Invitae), Labcorp
Classification: Uncertain significance for Baller-Gerold syndrome. Last evaluated: 2022-10-05. Review status: criteria provided, single submitter. Criteria: Invitae Variant Classification Sherloc (09022015). Collection method: clinical testing. Allele origin: germline.
Comment: This variant has not been reported in the literature in individuals affected with RECQL4-related conditions. In summary, the available evidence is currently insufficient to determine the role of this variant in disease. Therefore, it has been classified as a Variant of Uncertain Significance. ClinVar contains an entry for this variant (Variation ID: 580888). This variant is not present in population databases (gnomAD no frequency). This sequence change replaces histidine, which is basic and polar, with aspartic acid, which is acidic and polar, at codon 1165 of the RECQL4 protein (p.His1165Asp).

NM_004260.4(RECQL4):c.3493C>G (p.His1165Asp)

Gene: RECQL4 (RecQ like helicase 4; minus strand). Cytogenetic location: 8q24.3.
Variant type: single nucleotide variant.
Coding change: c.3493C>G on transcript NM_004260.4 (MANE Select); coding-DNA position 3493, C replaced by G.
Protein change: p.His1165Asp; replaces histidine 1165 with aspartic acid.
Molecular consequence: missense variant.
Genome position (GRCh38, 1-based): chr8:144,511,690, G>C on the plus strand (C>G on the coding strand, the complement: RECQL4 is on the minus strand). VCF-style: chr8-144511690-G-C. GRCh37 (hg19) VCF-style: chr8-145737073-G-C.
Other names: short protein forms H1165D.
Identifiers: ClinVar variation 580888 (VCV000580888.5), dbSNP rs774202918, ClinGen allele CA372666493.